The following is an entry in ClinVar:

ClinVar aggregate classification (germline): Pathogenic. Review status: criteria provided, multiple submitters, no conflicts (2 of 4 stars). 3 submissions from 3 submitters: Pathogenic (2). 1 of the submissions does not count toward it. Last evaluated 2016-01-29.

Conditions:
Developmental and epileptic encephalopathy, 1 (DEE1). Also called: X-linked infantile spasms; West's syndrome; Tonic spasms with clustering, arrest of psychomotor development and hypsarrhythmia on EEG; X-Linked Infantile Spasm Syndrome; OHTAHARA SYNDROME, X-LINKED; INFANTILE SPASM SYNDROME, X-LINKED 1. Identifiers: MedGen C3463992, MONDO:0010632, OMIM 308350. Disease mechanism: loss of function.
Early-infantile DEE. Also called: Ohtahara syndrome; Early infantile epileptic encephalopathy; Early infantile epileptic encephalopathy with suppression bursts. Identifiers: Orphanet 1934, MedGen C0393706, MONDO:0800491.

Submissions (3):

Labcorp Genetics (formerly Invitae), Labcorp
Classification: Pathogenic for Early-infantile DEE. Last evaluated: 2016-01-29. Review status: criteria provided, single submitter. Criteria: Invitae Variant Classification Sherloc (09022015). Collection method: clinical testing. Allele origin: germline.
Comment: While this particular variant has not been reported in the literature, truncating variants in KCNQ2 are known to be pathogenic (14534157). This sequence change deletes 1 nucleotide in exon 10 of the KCNQ2 mRNA (c.1160delC), causing a frameshift at codon 387. This creates a premature translational stop signal (p.Pro387Argfs*2) and is expected to result in an absent or disrupted protein product. For these reasons, this variant has been classified as Pathogenic.

GeneDx
Classification: Pathogenic. Last evaluated: 2014-02-07. Review status: criteria provided, single submitter. Criteria: GeneDx Variant Classification (06012015). Collection method: clinical testing. Allele origin: germline. Affected: yes.
Comment: c.1160delC: p.Pro387ArgfsX2 (P387RfsX2) in exon 10 of the KCNQ2 gene (NM_172107.2) The normal sequence with the base that is deleted in braces is TCCCCC{C}GCTG.The c.1160delC mutation in the KCNQ2 gene causes a frameshift starting with codon Proline 387, changes this amino acid to an Arginine residue and creates a premature Stop codon at position 2 of the new reading frame, denoted p.Pro387ArgfsX2. This mutation is predicted to cause loss of normal protein function through either protein truncation or nonsense-mediated decay. Although this mutation has not been previously reported to our knowledge, other truncating mutations have been reported in KCNQ2 in association with epilepsy. The variant is found in INFANT-EPI panel(s).

Centre de Biologie Pathologie Génétique, Centre Hospitalier Universitaire de Lille
Classification: Pathogenic for Epileptic encephalopathy, early infantile, 1. Last evaluated: 2019-01-01. Review status: no assertion criteria provided. Collection method: clinical testing. Allele origin: inherited. Affected: yes. Not counted in ClinVar's aggregate classification.

NM_172107.4(KCNQ2):c.1160del (p.Pro387fs)

Gene: KCNQ2 (potassium voltage-gated channel subfamily Q member 2; minus strand). Cytogenetic location: 20q13.33.
Variant type: Deletion.
Coding change: c.1160del on transcript NM_172107.4 (MANE Select); coding-DNA position 1160, one base deleted (C; older notation c.1160delC).
Protein change: p.Pro387fs; shifts the reading frame from proline 387.
Molecular consequence: frameshift variant.
Genome position (GRCh38, 1-based): chr20:63,428,424, G deleted on the plus strand (C on the coding strand, the reverse complement: KCNQ2 is on the minus strand); the first of 6 consecutive G bases (chr20:63,428,424-63,428,429); deleting any one gives the same sequence. VCF-style (leftmost placement, unchanged base first): chr20-63428423-CG-C. GRCh37 (hg19) VCF-style: chr20-62059776-CG-C.
Other names: c.1130del, p.Pro377fs (NM_004518.6); c.1160del, p.Pro387fs (NM_172106.3, NM_172108.5); short protein forms P387fs, P377fs.
Identifiers: ClinVar variation 205929 (VCV000205929.11), dbSNP rs796052657, ClinGen allele CA315519.
Genomic context (GRCh38, chr20:63,428,423, plus strand): 5'-TGACCTGAAAGCGAGTCCAGATTTACTCTTGAGGTTCCTCAGCAGCTCCAGCTGGTTCAG[CG>C]GGGGGATAAGTCTGGGGCAAGAGAAGGAGAGGGGAGTGAGCGTCTCACCCTCCCGAGTCC-3'